The following is an entry in ClinVar:

ClinVar aggregate classification (germline): Pathogenic (1 of 4 stars; one submission).

Allele frequency attached by ClinVar (database versions not stated): TOPMed below 0.00001.

Submission:

Labcorp Genetics (formerly Invitae), Labcorp
Classification: Pathogenic. Last evaluated: 2022-08-13. Review status: criteria provided, single submitter. Criteria: Invitae Variant Classification Sherloc (09022015). Collection method: clinical testing. Allele origin: germline.
Comment: Algorithms developed to predict the effect of sequence changes on RNA splicing suggest that this variant may create or strengthen a splice site. This variant has not been reported in the literature in individuals affected with SLC24A5-related conditions. This variant is not present in population databases (gnomAD no frequency). This sequence change creates a premature translational stop signal (p.Gln261*) in the SLC24A5 gene. It is expected to result in an absent or disrupted protein product. Loss-of-function variants in SLC24A5 are known to be pathogenic (PMID: 23985994, 26686029). For these reasons, this variant has been classified as Pathogenic.

Literature cited by the submitters: PubMed 23985994; PubMed 26686029.

NM_205850.3(SLC24A5):c.781C>T (p.Gln261Ter)

Genes: MYEF2 (myelin expression factor 2; minus strand), SLC24A5 (solute carrier family 24 member 5; plus strand). Cytogenetic location: 15q21.1.
Variant type: single nucleotide variant.
Coding change: c.781C>T on transcript NM_205850.3 (MANE Select); coding-DNA position 781, C replaced by T.
Protein change: p.Gln261Ter; replaces glutamine 261 with a stop codon.
Molecular consequence: nonsense. On other transcripts: 3 prime UTR variant (2).
Genome position (GRCh38, 1-based): chr15:48,136,873, C>T. VCF-style: chr15-48136873-C-T. GRCh37 (hg19) VCF-style: chr15-48429070-C-T.
Other names: c.*6035G>A (NM_001301210.2, NM_016132.5); short protein forms Q261*.
Identifiers: ClinVar variation 2017115 (VCV002017115.4), dbSNP rs1047344623, ClinGen allele CA269990971.